The following is an entry in ClinVar:

ClinVar aggregate classification (germline): Likely pathogenic (1 of 4 stars; one submission).

Conditions:
COL4A5-related disorder. Also called: COL4A5-related condition.

Submission:

PreventionGenetics, part of Exact Sciences
Classification: Likely pathogenic for COL4A5-related condition. Last evaluated: 2022-12-20. Review status: criteria provided, single submitter. Criteria: ACMG Guidelines, 2015. Collection method: clinical testing. Allele origin: germline.
Comment: The COL4A5 c.2954delG variant is predicted to result in a frameshift and premature protein termination (p.Gly985Valfs*11). To our knowledge, this variant has not been reported in the literature or in a large population database, indicating this variant is rare. Frameshift variants in COL4A5 are expected to be pathogenic. This variant is interpreted as likely pathogenic.

NM_033380.3(COL4A5):c.2954del (p.Gly985fs)

Gene: COL4A5 (collagen type IV alpha 5 chain; plus strand). Cytogenetic location: Xq22.3.
Variant type: Deletion.
Coding change: c.2954del on transcript NM_033380.3 (MANE Select); coding-DNA position 2954, one base deleted (G; older notation c.2954delG).
Protein change: p.Gly985fs; shifts the reading frame from glycine 985.
Molecular consequence: frameshift variant.
Genome position (GRCh38, 1-based): chrX:108,624,272, G deleted; the last of 3 consecutive G bases (chrX:108,624,270-108,624,272); deleting any one gives the same sequence. VCF-style (leftmost placement, unchanged base first): chrX-108624269-AG-A. GRCh37 (hg19) VCF-style: chrX-107867499-AG-A.
Other names: c.2954del, p.Gly985fs (NM_000495.5); short protein forms G985fs.
Identifiers: ClinVar variation 2629847 (VCV002629847.1), dbSNP rs2524414237, ClinGen allele CA2695197173.